The following is an entry in ClinVar:

ClinVar aggregate classification (germline): Uncertain significance (1 of 4 stars; one submission).

Conditions:
Hypertrophic cardiomyopathy 14. Identifiers: MedGen C2750467, MONDO:0013197, OMIM 613251.

gnomAD v4.1: 2 of 1,610,222 alleles (0.00012%); highest among the groups gnomAD compares: Non-Finnish European, 0.000085%; no homozygotes.

Submission:

Labcorp Genetics (formerly Invitae), Labcorp
Classification: Uncertain significance for Hypertrophic cardiomyopathy 14. Last evaluated: 2024-12-09. Review status: criteria provided, single submitter. Criteria: Invitae Variant Classification Sherloc (09022015). Collection method: clinical testing. Allele origin: germline.
Comment: This sequence change falls in intron 6 of the MYH6 gene. It does not directly change the encoded amino acid sequence of the MYH6 protein. This variant is not present in population databases (gnomAD no frequency). This variant has not been reported in the literature in individuals affected with MYH6-related conditions. Algorithms developed to predict the effect of sequence changes on RNA splicing suggest that this variant may disrupt the consensus splice site. In summary, the available evidence is currently insufficient to determine the role of this variant in disease. Therefore, it has been classified as a Variant of Uncertain Significance.

NM_002471.4(MYH6):c.531-9G>A

Genes: MYH6 (myosin heavy chain 6; minus strand), LOC114827851 (VISTA enhancer hs2155; plus strand). Cytogenetic location: 14q11.2.
Variant type: single nucleotide variant.
Coding change: c.531-9G>A on transcript NM_002471.4 (MANE Select); 9 bases into the intron before coding-DNA position 531, G replaced by A.
Molecular consequence: intron variant.
Genome position (GRCh38, 1-based): chr14:23,404,831, C>T on the plus strand (G>A on the coding strand, the complement: MYH6 is on the minus strand). VCF-style: chr14-23404831-C-T. GRCh37 (hg19) VCF-style: chr14-23874040-C-T.
Identifiers: ClinVar variation 3650466 (VCV003650466.2).